The following is an entry in ClinVar:

NM_002016.2(FLG):c.7358C>A (p.Ser2453Ter)

Genes: FLG (filaggrin; minus strand), FLG-AS1 (FLG antisense RNA 1; plus strand). Cytogenetic location: 1q21.3.
Variant type: single nucleotide variant.
Coding change: c.7358C>A on transcript NM_002016.2 (MANE Select); coding-DNA position 7358, C replaced by A.
Protein change: p.Ser2453Ter; replaces serine 2453 with a stop codon.
Molecular consequence: nonsense.
Genome position (GRCh38, 1-based): chr1:152,307,528, G>T on the plus strand (C>A on the coding strand, the complement: FLG is on the minus strand). VCF-style: chr1-152307528-G-T. GRCh37 (hg19) VCF-style: chr1-152280004-G-T.
Other names: short protein forms S2453*.
Identifiers: ClinVar variation 450871 (VCV000450871.2), dbSNP rs1388479165, ClinGen allele CA342046943.

ClinVar aggregate classification (germline): Pathogenic (1 of 4 stars; one submission).

gnomAD v4.1: 6 of 1,613,718 alleles (0.00037%); highest among the groups gnomAD compares: East Asian, 0.0022%; no homozygotes.

Submission:

GeneDx
Classification: Pathogenic. Last evaluated: 2017-07-28. Review status: criteria provided, single submitter. Criteria: GeneDx Variant Classification (06012015). Collection method: clinical testing. Allele origin: germline. Affected: yes.
Comment: The S2453X variant in the FLG gene has not been reported previously as a pathogenic variant nor as a benign variant, to our knowledge. This variant is predicted to cause loss of normal protein function through protein truncation. The S2453X variant is not observed in large population cohorts (Lek et al., 2016; 1000 Genomes Consortium et al., 2015; Exome Variant Server). We interpret S2453X as a pathogenic variant.